The following is an entry in ClinVar:

NM_078470.6(COX15):c.209G>A (p.Gly70Asp)

Gene: COX15 (cytochrome c oxidase assembly homolog COX15; minus strand). Cytogenetic location: 10q24.2.
Variant type: single nucleotide variant.
Coding change: c.209G>A on transcript NM_078470.6 (MANE Select); coding-DNA position 209, G replaced by A.
Protein change: p.Gly70Asp; replaces glycine 70 with aspartic acid.
Molecular consequence: missense variant. On other transcripts: 5 prime UTR variant (1), non-coding transcript variant (1).
Genome position (GRCh38, 1-based): chr10:99,729,616, C>T on the plus strand (G>A on the coding strand, the complement: COX15 is on the minus strand). VCF-style: chr10-99729616-C-T. GRCh37 (hg19) VCF-style: chr10-101489373-C-T.
Other names: c.209G>A, p.Gly70Asp (NM_001320974.2, NM_001320975.2, NM_001372024.1 and 5 more transcripts); c.-246G>A (NM_001320976.2); short protein forms G70D.
Identifiers: ClinVar variation 3767191 (VCV003767191.1).

ClinVar aggregate classification (germline): Likely pathogenic (1 of 4 stars; one submission).

Conditions:
Cardioencephalomyopathy, fatal infantile, due to cytochrome c oxidase deficiency 2 (MC4DN6). Also called: MITOCHONDRIAL COMPLEX IV DEFICIENCY, NUCLEAR TYPE 6. Identifiers: Orphanet 1561, MedGen C3554534, MONDO:0014051, OMIM 615119.

Submission:

Service de Génétique Médicale, Centre Hospitalier Universitaire de Nice-Université Côte d'Azur
Classification: Likely pathogenic for Cardioencephalomyopathy, fatal infantile, due to cytochrome c oxidase deficiency 2. Last evaluated: 2024-02-27. Review status: criteria provided, single submitter. Criteria: ACMG Guidelines, 2015. Collection method: clinical testing. Allele origin: germline. Affected: yes.

Literature cited by the submitters: PubMed 38703036.